The following is an entry in ClinVar:

NM_000517.6(HBA2):c.77G>A (p.Gly26Asp)

Genes: HBA2 (hemoglobin subunit alpha 2; plus strand), LOC106804612 (hemoglobin subunit alpha 2 recombination region; plus strand). Cytogenetic location: 16p13.3.
Variant type: single nucleotide variant.
Coding change: c.77G>A on transcript NM_000517.6 (MANE Select); coding-DNA position 77, G replaced by A.
Protein change: p.Gly26Asp; replaces glycine 26 with aspartic acid.
Molecular consequence: missense variant.
Genome position (GRCh38, 1-based): chr16:172,989, G>A. VCF-style: chr16-172989-G-A. GRCh37 (hg19) VCF-style: chr16-222988-G-A.
Other names: short protein forms G26D.
Identifiers: ClinVar variation 2581311 (VCV002581311.3), dbSNP rs1902038841, ClinGen allele CA393993144.

ClinVar aggregate classification (germline): Uncertain significance. Review status: criteria provided, multiple submitters, no conflicts (2 of 4 stars). 3 submissions from 3 submitters: Uncertain significance (3). Last evaluated 2024-11-08.

Submissions (3):

GeneDx
Classification: Uncertain significance. Last evaluated: 2024-11-08. Review status: criteria provided, single submitter. Criteria: GeneDx Variant Classification Process June 2021. Collection method: clinical testing. Allele origin: germline. Affected: yes.
Comment: Not observed at significant frequency in large population cohorts (gnomAD); In silico analysis supports that this missense variant has a deleterious effect on protein structure/function; Also known as Hb Cibeles; This variant is associated with the following publications: (PMID: 30293064, 26329872, 25212678, 36995301)

Women's Health and Genetics/Laboratory Corporation of America, LabCorp
Classification: Uncertain significance. Last evaluated: 2023-08-03. Review status: criteria provided, single submitter. Criteria: LabCorp Variant Classification Summary - May 2015. Collection method: clinical testing. Allele origin: germline.
Comment: Variant summary: HBA2 c.77G>A (p.Gly26Asp), also referred to as Hb Cibeles, results in a non-conservative amino acid change located in the globin domain (IPR000971) of the encoded protein sequence. Four of five in-silico tools predict a damaging effect of the variant on protein function. The variant was absent in 53842 control chromosomes (gnomAD). The available data on variant occurrences in the general population are insufficient to allow any conclusion about variant significance. c.77G>A has been reported in the literature in at least two heterozygous individuals with mild/moderate microcytic hypochromic anemia with normal Hb A2 levels (e.g. de la Fuente-Gonzalo_2014, Farashi_2015). These reports do not provide unequivocal conclusions about association of the variant with Alpha Thalassemia. To our knowledge, no experimental evidence demonstrating an impact on protein function has been reported, although it has been suggested that this variant is unstable as it was not detected by electrophoretic or chromatographic methods (de la Fuente-Gonzalo_2014). The following publications have been ascertained in the context of this evaluation (PMID: 26329872, 25212678). No submitters have cited clinical-significance assessments for this variant to ClinVar after 2014. Based on the evidence outlined above, the variant was classified as uncertain significance.

Quest Diagnostics Nichols Institute San Juan Capistrano
Classification: Uncertain significance. Last evaluated: 2022-12-15. Review status: criteria provided, single submitter. Criteria: Quest Diagnostics criteria. Collection method: clinical testing. Allele origin: unknown.
Comment: The HBA2 c.77G>A (p.Gly26Asp) variant (also known as Hb Cibeles) is described in an online database as hyper-unstable. It has not been reported in large, multi-ethnic general populations. In the published literature, the variant has been reported in a heterozygous individual with microcytosis, hypochromia, and anemia (PMID: 25212678 (2014)). In addition, the variant is reported to be undetectable by electrophoretic or chromatographic methods and is presumed to be hyper-unstable (PMID: 25212678 (2014)). Analysis of this variant using bioinformatics tools for the prediction of the effect of amino acid changes on protein structure and function yielded conflicting predictions that this variant is benign or damaging. Based on the available information, we are unable to determine the clinical significance of this variant.

Literature cited by the submitters: PubMed 26329872 (cited by Women's Health and Genetics/Laboratory Corporation of America, LabCorp); PubMed 25212678 (cited by Women's Health and Genetics/Laboratory Corporation of America, LabCorp and Quest Diagnostics Nichols Institute San Juan Capistrano).